The following is an entry in ClinVar:

ClinVar aggregate classification (germline): Uncertain significance (1 of 4 stars; one submission).

Submission:

Labcorp Genetics (formerly Invitae), Labcorp
Classification: Uncertain significance. Last evaluated: 2024-09-14. Review status: criteria provided, single submitter. Criteria: Invitae Variant Classification Sherloc (09022015). Collection method: clinical testing. Allele origin: germline.
Comment: This sequence change replaces glutamine, which is neutral and polar, with proline, which is neutral and non-polar, at codon 1995 of the KAT6A protein (p.Gln1995Pro). This variant is not present in population databases (gnomAD no frequency). This variant has not been reported in the literature in individuals affected with KAT6A-related conditions. Experimental studies and prediction algorithms are not available or were not evaluated, and the functional significance of this variant is currently unknown. In summary, the available evidence is currently insufficient to determine the role of this variant in disease. Therefore, it has been classified as a Variant of Uncertain Significance.

NM_006766.5(KAT6A):c.5984A>C (p.Gln1995Pro)

Gene: KAT6A (lysine acetyltransferase 6A; minus strand). Cytogenetic location: 8p11.21.
Variant type: single nucleotide variant.
Coding change: c.5984A>C on transcript NM_006766.5 (MANE Select); coding-DNA position 5984, A replaced by C.
Protein change: p.Gln1995Pro; replaces glutamine 1995 with proline.
Molecular consequence: missense variant.
Genome position (GRCh38, 1-based): chr8:41,932,236, T>G on the plus strand (A>C on the coding strand, the complement: KAT6A is on the minus strand). VCF-style: chr8-41932236-T-G. GRCh37 (hg19) VCF-style: chr8-41789754-T-G.
Other names: short protein forms Q1995P.
Identifiers: ClinVar variation 3716982 (VCV003716982.2).
Genomic context (GRCh38, chr8:41,932,236, plus strand): 5'-TTAAGTTTTTGATTGCAAGTTCATCTTGCTCATCTTCTCATGTAAGGTCCGTTGAGTGAC[T>G]GCTTGGGCACGCCAGCAGCGTTCATGTAGCTGTGATGGGAGGGGCCTGTGTACATCATGT-3'
Protein context (NP_006757.2, residues 1985-2004): SYMNAAGVPK[Gln1995Pro]SLNGPYMRR